The following is an entry in ClinVar:

NM_003126.4(SPTA1):c.2353C>T (p.Arg785Ter)

Gene: SPTA1 (spectrin alpha, erythrocytic 1; minus strand). Cytogenetic location: 1q23.1.
Variant type: single nucleotide variant.
Coding change: c.2353C>T on transcript NM_003126.4 (MANE Select); coding-DNA position 2353, C replaced by T.
Protein change: p.Arg785Ter; replaces arginine 785 with a stop codon.
Molecular consequence: nonsense.
Genome position (GRCh38, 1-based): chr1:158,662,813, G>A on the plus strand (C>T on the coding strand, the complement: SPTA1 is on the minus strand). VCF-style: chr1-158662813-G-A. GRCh37 (hg19) VCF-style: chr1-158632603-G-A.
Other names: p.Arg785*; short protein forms R785*.
Identifiers: ClinVar variation 812891 (VCV000812891.6), dbSNP rs2022057, ClinGen allele CA343002672.

ClinVar aggregate classification (germline): Pathogenic/Likely pathogenic. Review status: criteria provided, multiple submitters, no conflicts (2 of 4 stars). 4 submissions from 4 submitters: Pathogenic (2); Likely pathogenic (1). 1 of the submissions does not count toward it. Last evaluated 2025-08-27.

Conditions:
Hemolytic anemia. Identifiers: MedGen C0002878, MONDO:0003664, HP:0001878.

gnomAD v4.1: 3 of 1,613,950 alleles (0.00019%); highest among the groups gnomAD compares: Non-Finnish European, 0.00017%; no homozygotes.

Submissions (4):

Mayo Clinic Laboratories, Mayo Clinic
Classification: Likely pathogenic. Last evaluated: 2025-08-27. Review status: criteria provided, single submitter. Criteria: ACMG Guidelines, 2015. Collection method: clinical testing. Allele origin: germline. Observed: 2 variant alleles.
Comment: PM2_supporting, PVS1

GeneDx
Classification: Pathogenic. Last evaluated: 2025-04-08. Review status: criteria provided, single submitter. Criteria: GeneDx Variant Classification Process June 2021. Collection method: clinical testing. Allele origin: germline. Affected: yes.
Comment: Nonsense variant predicted to result in protein truncation or nonsense mediated decay in a gene for which loss of function is a known mechanism of disease; Not observed at significant frequency in large population cohorts (gnomAD); This variant is associated with the following publications: (PMID: 31723846, 32581362)

Revvity Omics, Revvity
Classification: Pathogenic. Last evaluated: 2023-05-02. Review status: criteria provided, single submitter. Criteria: ACMG Guidelines, 2015. Collection method: clinical testing. Allele origin: germline.

NIHR Bioresource Rare Diseases, University of Cambridge
Classification: Likely pathogenic for Hemolytic anemia. Review status: no assertion criteria provided. Collection method: research. Allele origin: unknown. Affected: yes. Observed: 2 variant alleles. Not counted in ClinVar's aggregate classification.

Literature cited by the submitters: PubMed 31723846 (cited by Mayo Clinic Laboratories, Mayo Clinic); PubMed 32581362 (cited by Mayo Clinic Laboratories, Mayo Clinic and NIHR Bioresource Rare Diseases, University of Cambridge).